The following is an entry in ClinVar:

ClinVar aggregate classification (germline): Uncertain significance (1 of 4 stars; one submission).

Allele frequency attached by ClinVar (database versions not stated): gnomAD exomes 0.00001.

Submission:

Women's Health and Genetics/Laboratory Corporation of America, LabCorp
Classification: Uncertain significance. Last evaluated: 2023-02-17. Review status: criteria provided, single submitter. Criteria: LabCorp Variant Classification Summary - May 2015. Collection method: clinical testing. Allele origin: germline.
Comment: Variant summary: BBS12 c.2104C>T (p.Gln702X) results in a premature termination codon and predicted to cause a truncation of the encoded protein. Although the variant is not predicted to cause absense of the protein through nonsense mediated decay, the variant disrupts the last 8 amino acids in the protein sequence. The variant was absent in 250536 control chromosomes (gnomAD). To our knowledge, no occurrence of c.2104C>T in individuals affected with Bardet-Biedl Syndrome and no experimental evidence demonstrating its impact on protein function have been reported. No clinical diagnostic laboratories have submitted clinical-significance assessments for this variant to ClinVar after 2014. Based on the evidence outlined above, the variant was classified as uncertain significance.

NM_152618.3(BBS12):c.2104C>T (p.Gln702Ter)

Gene: BBS12 (Bardet-Biedl syndrome 12; plus strand). Cytogenetic location: 4q27.
Variant type: single nucleotide variant.
Coding change: c.2104C>T on transcript NM_152618.3 (MANE Select); coding-DNA position 2104, C replaced by T.
Protein change: p.Gln702Ter; replaces glutamine 702 with a stop codon.
Molecular consequence: nonsense.
Genome position (GRCh38, 1-based): chr4:122,743,996, C>T. VCF-style: chr4-122743996-C-T. GRCh37 (hg19) VCF-style: chr4-123665151-C-T.
Other names: c.2104C>T, p.Gln702Ter (NM_001178007.2); c.2104C>T (NM_152618.2); short protein forms Q702*.
Identifiers: ClinVar variation 2445901 (VCV002445901.1), dbSNP rs2485079028, ClinGen allele CA358226570.